The following is an entry in ClinVar:

NM_005333.5(HCCS):c.163del (p.Ala55fs)

Gene: HCCS (holocytochrome c synthase; plus strand). Cytogenetic location: Xp22.2.
Variant type: Deletion.
Coding change: c.163del on transcript NM_005333.5 (MANE Select); coding-DNA position 163, one base deleted (G; older notation c.163delG).
Protein change: p.Ala55fs; shifts the reading frame from alanine 55.
Molecular consequence: frameshift variant.
Genome position (GRCh38, 1-based): chrX:11,114,897, G deleted. VCF-style (leftmost placement, unchanged base first): chrX-11114896-TG-T. GRCh37 (hg19) VCF-style: chrX-11133016-TG-T.
Other names: c.163del, p.Ala55fs (NM_001122608.3, NM_001171991.3); short protein forms A55fs.
Identifiers: ClinVar variation 4291739 (VCV004291739.1).
Genomic context (GRCh38, chrX:11,114,896, plus strand): 5'-CTGTCCAGTGAATACAGAGCCATCTGGCCCAACCTGTGAGAAGAAAACATACTCTGTGCC[TG>T]CCCACCAGGAACGCGCCTATGAGTACGTGGAGTGTCCCATTAGGGGCACTGCGGCTGAGA-3'

ClinVar aggregate classification (germline): Likely pathogenic (1 of 4 stars; one submission).

Conditions:
Linear skin defects with multiple congenital anomalies 1 (LSDMCA1). Also called: MLS syndrome; MIDAS SYNDROME; Microphthalmia with Linear Skin Defects Syndrome. Identifiers: Orphanet 2556, MedGen C0796070, MONDO:0024552, OMIM 309801.

Submission:

3billion
Classification: Likely pathogenic for Linear skin defects with multiple congenital anomalies 1. Last evaluated: 2024-10-17. Review status: criteria provided, single submitter. Criteria: ACMG Guidelines, 2015. Collection method: clinical testing. Allele origin: germline. Affected: yes.
Comment: The variant is not observed in the gnomAD v4.1.0 dataset. Predicted Consequence/Location: Frameshift: predicted to result in a loss or disruption of normal protein function through nonsense-mediated decay (NMD) or protein truncation. Multiple pathogenic variants are reported downstream of the variant. Therefore, this variant is classified as Likely pathogenic according to the recommendation of ACMG/AMP guideline.